The following is an entry in ClinVar:

ClinVar aggregate classification (germline): Uncertain significance. Review status: criteria provided, multiple submitters, no conflicts (2 of 4 stars). 3 submissions from 3 submitters: Uncertain significance (2). 1 of the submissions does not count toward it. Last evaluated 2024-07-03.

Conditions:
RELA-related disorder. Also called: RELA-related condition.

Allele frequency attached by ClinVar (database versions not stated): ExAC 0.00003; gnomAD 0.00003; gnomAD exomes 0.00004 and 0.00007; TOPMed 0.00004.
gnomAD v4.1: 116 of 1,613,800 alleles (0.0072%); highest among the groups gnomAD compares: Non-Finnish European, 0.0088%; no homozygotes.

Submissions (3):

Labcorp Genetics (formerly Invitae), Labcorp
Classification: Uncertain significance. Last evaluated: 2024-07-03. Review status: criteria provided, single submitter. Criteria: Invitae Variant Classification Sherloc (09022015). Collection method: clinical testing. Allele origin: germline.
Comment: This sequence change replaces alanine, which is neutral and non-polar, with valine, which is neutral and non-polar, at codon 264 of the RELA protein (p.Ala264Val). This variant is present in population databases (rs746526485, gnomAD 0.008%). This variant has not been reported in the literature in individuals affected with RELA-related conditions. ClinVar contains an entry for this variant (Variation ID: 1361260). An algorithm developed to predict the effect of missense changes on protein structure and function (PolyPhen-2) suggests that this variant is likely to be tolerated. In summary, the available evidence is currently insufficient to determine the role of this variant in disease. Therefore, it has been classified as a Variant of Uncertain Significance.

Ambry Genetics
Classification: Uncertain significance. Last evaluated: 2023-05-05. Review status: criteria provided, single submitter. Criteria: Ambry Variant Classification Scheme 2023. Collection method: clinical testing. Allele origin: germline.

PreventionGenetics, part of Exact Sciences
Classification: Uncertain significance for RELA-related condition. Last evaluated: 2024-01-02. Review status: no assertion criteria provided. Collection method: clinical testing. Allele origin: germline. Not counted in ClinVar's aggregate classification.
Comment: The RELA c.791C>T variant is predicted to result in the amino acid substitution p.Ala264Val. To our knowledge, this variant has not been reported in the literature. This variant is reported in 0.0080% of alleles in individuals of African descent in gnomAD. At this time, the clinical significance of this variant is uncertain due to the absence of conclusive functional and genetic evidence.

NM_021975.4(RELA):c.791C>T (p.Ala264Val)

Gene: RELA (RELA proto-oncogene, NF-kB subunit; minus strand). Cytogenetic location: 11q13.1.
Variant type: single nucleotide variant.
Coding change: c.791C>T on transcript NM_021975.4 (MANE Select); coding-DNA position 791, C replaced by T.
Protein change: p.Ala264Val; replaces alanine 264 with valine.
Molecular consequence: missense variant.
Genome position (GRCh38, 1-based): chr11:65,658,373, G>A on the plus strand (C>T on the coding strand, the complement: RELA is on the minus strand). VCF-style: chr11-65658373-G-A. GRCh37 (hg19) VCF-style: chr11-65425844-G-A.
Other names: c.791C>T (NM_021975.3); c.782C>T, p.Ala261Val (NM_001145138.2); c.791C>T, p.Ala264Val (NM_001243984.2, NM_001243985.2); short protein forms A264V, A261V.
Identifiers: ClinVar variation 1361260 (VCV001361260.10), dbSNP rs746526485, ClinGen allele CA6106798.